The following is an entry in ClinVar:

ClinVar aggregate classification (germline): Uncertain significance. Review status: criteria provided, multiple submitters, no conflicts (2 of 4 stars). 3 submissions from 3 submitters: Uncertain significance (3). Last evaluated 2025-02-24.

Conditions:
Age related macular degeneration 1 (ARMD1). Also called: MACULOPATHY, AGE-RELATED, 1. Identifiers: MedGen C1864205, MONDO:0011285, OMIM 603075.

Allele frequency attached by ClinVar (database versions not stated): TOPMed below 0.00001.

Submissions (3):

Labcorp Genetics (formerly Invitae), Labcorp
Classification: Uncertain significance. Last evaluated: 2025-02-24. Review status: criteria provided, single submitter. Criteria: Invitae Variant Classification Sherloc (09022015). Collection method: clinical testing. Allele origin: germline.
Comment: This sequence change replaces histidine, which is basic and polar, with leucine, which is neutral and non-polar, at codon 4973 of the HMCN1 protein (p.His4973Leu). This variant is not present in population databases (gnomAD no frequency). This variant has not been reported in the literature in individuals affected with HMCN1-related conditions. ClinVar contains an entry for this variant (Variation ID: 1916530). An algorithm developed to predict the effect of missense changes on protein structure and function (PolyPhen-2) suggests that this variant is likely to be disruptive. In summary, the available evidence is currently insufficient to determine the role of this variant in disease. Therefore, it has been classified as a Variant of Uncertain Significance.

Ambry Genetics
Classification: Uncertain significance. Last evaluated: 2023-08-15. Review status: criteria provided, single submitter. Criteria: Ambry Variant Classification Scheme 2023. Collection method: clinical testing. Allele origin: germline.

Genome-Nilou Lab
Classification: Uncertain significance for Age related macular degeneration 1. Last evaluated: 2023-04-11. Review status: criteria provided, single submitter. Criteria: ACMG Guidelines, 2015. Collection method: clinical testing. Allele origin: germline. Affected: no.

NM_031935.3(HMCN1):c.14918A>T (p.His4973Leu)

Gene: HMCN1 (hemicentin 1; plus strand). Cytogenetic location: 1q31.1.
Variant type: single nucleotide variant.
Coding change: c.14918A>T on transcript NM_031935.3 (MANE Select); coding-DNA position 14918, A replaced by T.
Protein change: p.His4973Leu; replaces histidine 4973 with leucine.
Molecular consequence: missense variant.
Genome position (GRCh38, 1-based): chr1:186,152,771, A>T. VCF-style: chr1-186152771-A-T. GRCh37 (hg19) VCF-style: chr1-186121903-A-T.
Other names: c.14918A>T (NM_031935.2); short protein forms H4973L.
Identifiers: ClinVar variation 1916530 (VCV001916530.8), dbSNP rs1474923548, ClinGen allele CA343921724.
Genomic context (GRCh38, chr1:186,152,771, plus strand): 5'-ATTTTTTTGCTGTCAAAATGAATGTCTTGTAATTCCCAGGAGAAATCTTGCAGATGAGTC[A>T]TATTGCCCGGGGCTTGGATTCCGATGGTTCTTTGCTGCTAGATATCGTTGTGAGTGGCTA-3'
Protein context (NP_114141.2, residues 4963-4983): FATGEILQMS[His4973Leu]IARGLDSDGS